The following is an entry in ClinVar:

ClinVar aggregate classification (germline): Likely benign (1 of 4 stars; one submission).

Allele frequency attached by ClinVar (database versions not stated): gnomAD exomes 0.00010; gnomAD 0.00128 and 0.00137; TOPMed 0.00141; 1000 Genomes Project 0.00140; 1000 Genomes Project 30x 0.00141.

Submission:

GeneDx
Classification: Likely benign. Last evaluated: 2017-12-04. Review status: criteria provided, single submitter. Criteria: GeneDx Variant Classification (06012015). Collection method: clinical testing. Allele origin: germline. Affected: yes.
Comment: This variant is considered likely benign or benign based on one or more of the following criteria: it is a conservative change, it occurs at a poorly conserved position in the protein, it is predicted to be benign by multiple in silico algorithms, and/or has population frequency not consistent with disease.

NM_001077416.2(TMEM231):c.-28G>T

Gene: TMEM231 (transmembrane protein 231; minus strand). Cytogenetic location: 16q23.1.
Variant type: single nucleotide variant.
Coding change: c.-28G>T on transcript NM_001077416.2; 28 bases upstream of the start codon, G replaced by T.
Genome position (GRCh38, 1-based): chr16:75,556,299, C>A on the plus strand (G>T on the coding strand, the complement: TMEM231 is on the minus strand). VCF-style: chr16-75556299-C-A. GRCh37 (hg19) VCF-style: chr16-75590197-C-A.
Identifiers: ClinVar variation 379761 (VCV000379761.3), dbSNP rs571770127, ClinGen allele CA16607416.